The following is an entry in ClinVar:

ClinVar aggregate classification (germline): Uncertain significance. Review status: criteria provided, multiple submitters, no conflicts (2 of 4 stars). 3 submissions from 3 submitters: Uncertain significance (3). Last evaluated 2022-11-07.

Conditions:
Cardiovascular phenotype. Identifiers: MedGen CN230736.
Hypertrophic cardiomyopathy 17. Identifiers: MedGen C3151264, MONDO:0013474, OMIM 613873.
Hypertrophic cardiomyopathy. Also called: HYPERTROPHIC MYOCARDIOPATHY. Identifiers: Orphanet 217569, MedGen C0007194, MeSH D002312, MONDO:0005045, HP:0001639.

Allele frequency attached by ClinVar (database versions not stated): gnomAD 0.00004; TOPMed 0.00004; ESP Exome Variant Server 0.00008.
gnomAD v4.1: 7 of 1,608,148 alleles (0.00044%); highest among the groups gnomAD compares: African/African-American, 0.0094%; no homozygotes.

Submissions (3):

Baylor Genetics
Classification: Uncertain significance for Hypertrophic cardiomyopathy 17. Last evaluated: 2022-11-07. Review status: criteria provided, single submitter. Criteria: ACMG Guidelines, 2015. Collection method: clinical testing. Allele origin: unknown.

Ambry Genetics
Classification: Uncertain significance for Cardiovascular phenotype. Last evaluated: 2022-11-04. Review status: criteria provided, single submitter. Criteria: Ambry Variant Classification Scheme 2023. Collection method: clinical testing. Allele origin: germline.
Comment: The p.E19D variant (also known as c.57G>T), located in coding exon 1 of the JPH2 gene, results from a G to T substitution at nucleotide position 57. The glutamic acid at codon 19 is replaced by aspartic acid, an amino acid with highly similar properties. This amino acid position is well conserved in available vertebrate species. In addition, this alteration is predicted to be tolerated by in silico analysis. Since supporting evidence is limited at this time, the clinical significance of this alteration remains unclear.

Labcorp Genetics (formerly Invitae), Labcorp
Classification: Uncertain significance for Hypertrophic cardiomyopathy. Last evaluated: 2022-05-05. Review status: criteria provided, single submitter. Criteria: Invitae Variant Classification Sherloc (09022015). Collection method: clinical testing. Allele origin: germline.
Comment: In summary, the available evidence is currently insufficient to determine the role of this variant in disease. Therefore, it has been classified as a Variant of Uncertain Significance. Algorithms developed to predict the effect of missense changes on protein structure and function are either unavailable or do not agree on the potential impact of this missense change (SIFT: "Tolerated"; PolyPhen-2: "Possibly Damaging"; Align-GVGD: "Class C0"). This variant has not been reported in the literature in individuals affected with JPH2-related conditions. The frequency data for this variant in the population databases is considered unreliable, as metrics indicate poor data quality at this position in the gnomAD database. This sequence change replaces glutamic acid, which is acidic and polar, with aspartic acid, which is acidic and polar, at codon 19 of the JPH2 protein (p.Glu19Asp).

NM_020433.5(JPH2):c.57G>T (p.Glu19Asp)

Gene: JPH2 (junctophilin 2; minus strand). Cytogenetic location: 20q13.12.
Variant type: single nucleotide variant.
Coding change: c.57G>T on transcript NM_020433.5 (MANE Select); coding-DNA position 57, G replaced by T.
Protein change: p.Glu19Asp; replaces glutamic acid 19 with aspartic acid.
Molecular consequence: missense variant.
Genome position (GRCh38, 1-based): chr20:44,186,649, C>A on the plus strand (G>T on the coding strand, the complement: JPH2 is on the minus strand). VCF-style: chr20-44186649-C-A. GRCh37 (hg19) VCF-style: chr20-42815289-C-A.
Other names: c.57G>T, p.Glu19Asp (NM_175913.4); short protein forms E19D.
Identifiers: ClinVar variation 1749766 (VCV001749766.9), dbSNP rs143695964, ClinGen allele CA315352315.